The following is an entry in ClinVar:

NM_001318510.2(ACSL4):c.1940C>T (p.Ala647Val)

Gene: ACSL4 (acyl-CoA synthetase long chain family member 4; minus strand). Cytogenetic location: Xq23.
Variant type: single nucleotide variant.
Coding change: c.1940C>T on transcript NM_001318510.2 (MANE Select); coding-DNA position 1940, C replaced by T.
Protein change: p.Ala647Val; replaces alanine 647 with valine.
Molecular consequence: missense variant.
Genome position (GRCh38, 1-based): chrX:109,644,102, G>A on the plus strand (C>T on the coding strand, the complement: ACSL4 is on the minus strand). VCF-style: chrX-109644102-G-A. GRCh37 (hg19) VCF-style: chrX-108887331-G-A.
Other names: c.2063C>T, p.Ala688Val (NM_001318509.2, NM_001437245.1, NM_001437247.1 and 2 more transcripts); c.1940C>T, p.Ala647Val (NM_001437250.1, NM_001437251.1, NM_001437252.1 and 2 more transcripts); short protein forms A647V, A688V.
Identifiers: ClinVar variation 4282371 (VCV004282371.1).

ClinVar aggregate classification (germline): Uncertain significance (1 of 4 stars; one submission).

Submission:

GeneDx
Classification: Uncertain significance. Last evaluated: 2025-04-16. Review status: criteria provided, single submitter. Criteria: GeneDx Variant Classification Process June 2021. Collection method: clinical testing. Allele origin: germline. Affected: yes.
Comment: Not observed at significant frequency in large population cohorts (gnomAD); In silico analysis supports that this missense variant has a deleterious effect on protein structure/function; Has not been previously published as pathogenic or benign to our knowledge